The following is an entry in ClinVar:

NM_018100.4(EFHC1):c.89C>T (p.Thr30Met)

Gene: EFHC1 (EF-hand domain containing 1; plus strand). Cytogenetic location: 6p12.2.
Variant type: single nucleotide variant.
Coding change: c.89C>T on transcript NM_018100.4 (MANE Select); coding-DNA position 89, C replaced by T.
Protein change: p.Thr30Met; replaces threonine 30 with methionine.
Molecular consequence: missense variant. On other transcripts: non-coding transcript variant (1).
Genome position (GRCh38, 1-based): chr6:52,423,971, C>T. VCF-style: chr6-52423971-C-T. GRCh37 (hg19) VCF-style: chr6-52288769-C-T.
Other names: p.T30M:ACG>ATG; c.32C>T, p.Thr11Met (NM_001172420.2); short protein forms T30M, T11M.
Identifiers: ClinVar variation 205396 (VCV000205396.14), dbSNP rs200435907, ClinGen allele CA314428.

ClinVar aggregate classification (germline): Conflicting classifications of pathogenicity. Review status: criteria provided, conflicting classifications (1 of 4 stars). 4 submissions from 4 submitters: Uncertain significance (3); Likely benign (1). Last evaluated 2024-10-30.

Conditions:
Myoclonic epilepsy, juvenile, susceptibility to, 1. Also called: Myoclonic Epilepsy, Juvenile, 1; EJM1. Identifiers: MedGen C1850778, MONDO:0020752, OMIM 254770.
Absence seizure. Also called: Absence epilepsy. Identifiers: Orphanet 1941, MedGen C0014553.

Allele frequency attached by ClinVar (database versions not stated): ESP Exome Variant Server 0.00008; gnomAD 0.00008 and 0.00012; gnomAD exomes 0.00010 and 0.00023; TOPMed 0.00011; ExAC 0.00022.
gnomAD v4.1: 172 of 1,613,998 alleles (0.011%); highest among the groups gnomAD compares: East Asian, 0.058%; no homozygotes.

Submissions (4):

Blueprint Genetics
Classification: Uncertain significance. Last evaluated: 2024-10-30. Review status: criteria provided, single submitter. Criteria: ACMG Guidelines, 2015. Collection method: clinical testing. Allele origin: germline.

Labcorp Genetics (formerly Invitae), Labcorp
Classification: Likely benign for Myoclonic epilepsy, juvenile, susceptibility to, 1; Absence seizure. Last evaluated: 2023-07-07. Review status: criteria provided, single submitter. Criteria: Invitae Variant Classification Sherloc (09022015). Collection method: clinical testing. Allele origin: germline.

GeneDx
Classification: Uncertain significance. Last evaluated: 2023-05-04. Review status: criteria provided, single submitter. Criteria: GeneDx Variant Classification Process June 2021. Collection method: clinical testing. Allele origin: germline. Affected: yes.
Comment: In silico analysis supports that this missense variant has a deleterious effect on protein structure/function; Has not been previously published as pathogenic or benign to our knowledge; Variants in candidate genes are classified as variants of uncertain significance in accordance with ACMG guidelines (Richards et al., 2015)

New York Genome Center
Classification: Uncertain significance for Epilepsy, juvenile absence, susceptibility to, 1. Last evaluated: 2020-09-23. Review status: criteria provided, single submitter. Criteria: NYGC Assertion Criteria 2020. Collection method: clinical testing. Allele origin: germline. Observed: 1 heterozygote. Study: CSER-NYCKidSeq.